The following is an entry in ClinVar:

ClinVar aggregate classification (germline): Uncertain significance. Review status: criteria provided, single submitter (1 of 4 stars). 2 submissions from 2 submitters: Uncertain significance (1). 1 of the submissions does not count toward it. Last evaluated 2021-09-10.

Conditions:
Neonatal intrahepatic cholestasis due to citrin deficiency (CDNI). Also called: Neonatal-onset citrullinemia type II; Neonatal-onset citrullinemia type 2; Neonatal Intrahepatic Cholestasis Caused by Citrin Deficiency (NICCD); CITRIN DEFICIENCY, NEONATAL OR INFANTILE ONSET. Identifiers: Orphanet 247598, MedGen C1853942, MONDO:0011601, OMIM 605814.
SLC25A13-related disorder. Also called: SLC25A13-related condition.

Allele frequency attached by ClinVar (database versions not stated): TOPMed 0.00002; gnomAD 0.00003.
gnomAD v4.1: 10 of 1,602,080 alleles (0.00062%); highest among the groups gnomAD compares: Non-Finnish European, 0.00085%; no homozygotes.

Submissions (2):

Baylor Genetics
Classification: Uncertain significance for Neonatal intrahepatic cholestasis due to citrin deficiency. Last evaluated: 2021-09-10. Review status: criteria provided, single submitter. Criteria: ACMG Guidelines, 2015. Collection method: clinical testing. Allele origin: unknown.

PreventionGenetics, part of Exact Sciences
Classification: Likely benign for SLC25A13-related condition. Last evaluated: 2023-01-06. Review status: no assertion criteria provided. Collection method: clinical testing. Allele origin: germline. Not counted in ClinVar's aggregate classification.
Comment: This variant is classified as likely benign based on ACMG/AMP sequence variant interpretation guidelines (Richards et al. 2015 PMID: 25741868, with internal and published modifications).

NM_014251.3(SLC25A13):c.1452+5C>G

Gene: SLC25A13 (solute carrier family 25 member 13; minus strand). Cytogenetic location: 7q21.3.
Variant type: single nucleotide variant.
Coding change: c.1452+5C>G on transcript NM_014251.3 (MANE Select); 5 bases into the intron after coding-DNA position 1452, C replaced by G.
Molecular consequence: intron variant.
Genome position (GRCh38, 1-based): chr7:96,146,551, G>C on the plus strand (C>G on the coding strand, the complement: SLC25A13 is on the minus strand). VCF-style: chr7-96146551-G-C. GRCh37 (hg19) VCF-style: chr7-95775863-G-C.
Other names: c.1455+5C>G (NM_001160210.2); c.1452+5C>G (NM_014251.2).
Identifiers: ClinVar variation 2442009 (VCV002442009.3), dbSNP rs1225955363, ClinGen allele CA844170382.